The following is an entry in ClinVar:

NM_004859.4(CLTC):c.3914C>T (p.Ala1305Val)

Gene: CLTC (clathrin heavy chain; plus strand). Cytogenetic location: 17q23.1.
Variant type: single nucleotide variant.
Coding change: c.3914C>T on transcript NM_004859.4 (MANE Select); coding-DNA position 3914, C replaced by T.
Protein change: p.Ala1305Val; replaces alanine 1305 with valine.
Molecular consequence: missense variant.
Genome position (GRCh38, 1-based): chr17:59,683,135, C>T. VCF-style: chr17-59683135-C-T. GRCh37 (hg19) VCF-style: chr17-57760496-C-T.
Other names: c.3926C>T, p.Ala1309Val (NM_001288653.2); short protein forms A1309V, A1305V.
Identifiers: ClinVar variation 4739643 (VCV004739643.1).
Genomic context (GRCh38, chr17:59,683,135, plus strand): 5'-TGCACATTTCTCTTGTTCAGGATCGTGGCTATTTTGAAGAGCTGATCACCATGTTGGAAG[C>T]AGCACTGGGACTTGAGCGAGCTCACATGGGAATGTTTACTGAATTAGCTATTCTATACTC-3'
Protein context (NP_004850.1, residues 1295-1315): YFEELITMLE[Ala1305Val]ALGLERAHMG

ClinVar aggregate classification (germline): Uncertain significance (1 of 4 stars; one submission).

Submission:

Labcorp Genetics (formerly Invitae), Labcorp
Classification: Uncertain significance. Last evaluated: 2025-02-23. Review status: criteria provided, single submitter. Criteria: Invitae Variant Classification Sherloc (09022015). Collection method: clinical testing. Allele origin: germline.
Comment: This sequence change replaces alanine, which is neutral and non-polar, with valine, which is neutral and non-polar, at codon 1309 of the CLTC protein (p.Ala1309Val). This variant is not present in population databases (gnomAD no frequency). This variant has not been reported in the literature in individuals affected with CLTC-related conditions. Invitae Evidence Modeling of protein sequence and biophysical properties (such as structural, functional, and spatial information, amino acid conservation, physicochemical variation, residue mobility, and thermodynamic stability) indicates that this missense variant is not expected to disrupt CLTC protein function with a negative predictive value of 80%. In summary, the available evidence is currently insufficient to determine the role of this variant in disease. Therefore, it has been classified as a Variant of Uncertain Significance.